The following is an entry in ClinVar:

NM_139215.3(TAF15):c.205G>T (p.Gly69Cys)

Gene: TAF15 (TATA-box binding protein associated factor 15; plus strand). Cytogenetic location: 17q12.
Variant type: single nucleotide variant.
Coding change: c.205G>T on transcript NM_139215.3 (MANE Select); coding-DNA position 205, G replaced by T.
Protein change: p.Gly69Cys; replaces glycine 69 with cysteine.
Molecular consequence: missense variant.
Genome position (GRCh38, 1-based): chr17:35,820,352, G>T. VCF-style: chr17-35820352-G-T. GRCh37 (hg19) VCF-style: chr17-34147356-G-T.
Other names: c.196G>T, p.Gly66Cys (NM_003487.4); short protein forms G66C, G69C.
Identifiers: ClinVar variation 3046815 (VCV003046815.2), dbSNP rs191538892, ClinGen allele CA290021237.

ClinVar aggregate classification (germline): Likely benign (0 of 4 stars; one submission).

Conditions:
TAF15-related disorder. Also called: TAF15-related condition.

Allele frequency attached by ClinVar (database versions not stated): ExAC 0.00005; gnomAD 0.00005; gnomAD exomes 0.00005; TOPMed 0.00010; 1000 Genomes Project 0.00020; 1000 Genomes Project 30x 0.00031.

Submission:

PreventionGenetics, part of Exact Sciences
Classification: Likely benign for TAF15-related condition. Last evaluated: 2023-04-21. Review status: no assertion criteria provided. Collection method: clinical testing. Allele origin: germline.
Comment: This variant is classified as likely benign based on ACMG/AMP sequence variant interpretation guidelines (Richards et al. 2015 PMID: 25741868, with internal and published modifications).